The following is an entry in ClinVar:

ClinVar aggregate classification (germline): Uncertain significance. Review status: criteria provided, multiple submitters, no conflicts (2 of 4 stars). 4 submissions from 4 submitters: Uncertain significance (4). Last evaluated 2024-08-10.

Conditions:
Granulomatous disease, chronic, autosomal recessive, cytochrome b-positive, type 2. Also called: GRANULOMATOUS DISEASE, CHRONIC, DUE TO NCF2 DEFICIENCY; GRANULOMATOUS DISEASE, CHRONIC, AUTOSOMAL RECESSIVE, 2; Chronic granulomatous disease due to deficiency of NCF-2; Chronic Granulomatous Disease, Autosomal Recessive, Cytochrome b-Positive, Type II; CGD, AUTOSOMAL RECESSIVE CYTOCHROME b-POSITIVE, TYPE II. Identifiers: Orphanet 379, MedGen C1856245, MONDO:0009310, OMIM 233710.
Inborn genetic diseases. Identifiers: MedGen C0950123, MeSH D030342.

Allele frequency attached by ClinVar (database versions not stated): gnomAD exomes 0.00002.
gnomAD v4.1: 22 of 1,614,210 alleles (0.0014%); highest among the groups gnomAD compares: Non-Finnish European, 0.0019%; no homozygotes.

Submissions (4):

Labcorp Genetics (formerly Invitae), Labcorp
Classification: Uncertain significance for Granulomatous disease, chronic, autosomal recessive, cytochrome b-positive, type 2. Last evaluated: 2024-08-10. Review status: criteria provided, single submitter. Criteria: Invitae Variant Classification Sherloc (09022015). Collection method: clinical testing. Allele origin: germline.
Comment: This sequence change replaces glutamine, which is neutral and polar, with arginine, which is basic and polar, at codon 416 of the NCF2 protein (p.Gln416Arg). This variant is not present in population databases (gnomAD no frequency). This variant has not been reported in the literature in individuals affected with NCF2-related conditions. ClinVar contains an entry for this variant (Variation ID: 294079). Advanced modeling of protein sequence and biophysical properties (such as structural, functional, and spatial information, amino acid conservation, physicochemical variation, residue mobility, and thermodynamic stability) performed at Invitae indicates that this missense variant is not expected to disrupt NCF2 protein function with a negative predictive value of 80%. In summary, the available evidence is currently insufficient to determine the role of this variant in disease. Therefore, it has been classified as a Variant of Uncertain Significance.

Blueprint Genetics
Classification: Uncertain significance. Last evaluated: 2024-04-26. Review status: criteria provided, single submitter. Criteria: ACMG Guidelines, 2015. Collection method: clinical testing. Allele origin: germline.

Ambry Genetics
Classification: Uncertain significance for Inborn genetic diseases. Last evaluated: 2024-02-05. Review status: criteria provided, single submitter. Criteria: Ambry Variant Classification Scheme 2023. Collection method: clinical testing. Allele origin: germline.

Illumina Laboratory Services, Illumina
Classification: Uncertain significance for Granulomatous disease, chronic, autosomal recessive, cytochrome b-positive, type 2. Last evaluated: 2018-01-13. Review status: criteria provided, single submitter. Criteria: ICSL Variant Classification Criteria 13 December 2019. Collection method: clinical testing. Allele origin: germline.

NM_000433.4(NCF2):c.1247A>G (p.Gln416Arg)

Gene: NCF2 (neutrophil cytosolic factor 2; minus strand). Cytogenetic location: 1q25.3.
Variant type: single nucleotide variant.
Coding change: c.1247A>G on transcript NM_000433.4 (MANE Select); coding-DNA position 1247, A replaced by G.
Protein change: p.Gln416Arg; replaces glutamine 416 with arginine.
Molecular consequence: missense variant.
Genome position (GRCh38, 1-based): chr1:183,563,238, T>C on the plus strand (A>G on the coding strand, the complement: NCF2 is on the minus strand). VCF-style: chr1-183563238-T-C. GRCh37 (hg19) VCF-style: chr1-183532373-T-C.
Other names: c.1247A>G, p.Gln416Arg (NM_001127651.3); c.1004A>G, p.Gln335Arg (NM_001190789.2); c.1112A>G, p.Gln371Arg (NM_001190794.2); short protein forms Q416R, Q335R, Q371R.
Identifiers: ClinVar variation 294079 (VCV000294079.14), dbSNP rs886045655, ClinGen allele CA10608512.